The following is an entry in ClinVar:

ClinVar aggregate classification (germline): Conflicting classifications of pathogenicity. Review status: criteria provided, conflicting classifications (1 of 4 stars). 3 submissions from 3 submitters: Uncertain significance (2); Likely benign (1). Last evaluated 2025-08-03.

Conditions:
Rhabdoid tumor predisposition syndrome 2 (RTPS2). Identifiers: Orphanet 231108, Orphanet 69077, MedGen C2750074, MONDO:0013224, OMIM 613325.
Hereditary cancer-predisposing syndrome. Also called: Hereditary neoplastic syndrome; Tumor predisposition; Neoplastic Syndromes, Hereditary; Hereditary Cancer Syndrome. Identifiers: Orphanet 140162, MedGen C0027672, MeSH D009386, MONDO:0015356.
Intellectual disability, autosomal dominant 16 (CSS4). Also called: COFFIN-SIRIS SYNDROME 4. Identifiers: Orphanet 1465, MedGen C3553249, MONDO:0013821, OMIM 614609.

Allele frequency attached by ClinVar (database versions not stated): gnomAD 0.00001; gnomAD exomes below 0.00001.
gnomAD v4.1: 3 of 1,613,760 alleles (0.00019%); highest among the groups gnomAD compares: Non-Finnish European, 0.00025%; no homozygotes.

Submissions (3):

Labcorp Genetics (formerly Invitae), Labcorp
Classification: Uncertain significance for Rhabdoid tumor predisposition syndrome 2. Last evaluated: 2025-08-03. Review status: criteria provided, single submitter. Criteria: Invitae Variant Classification Sherloc (09022015). Collection method: clinical testing. Allele origin: germline.
Comment: This sequence change replaces alanine, which is neutral and non-polar, with valine, which is neutral and non-polar, at codon 819 of the SMARCA4 protein (p.Ala819Val). This variant is present in population databases (no rsID available, gnomAD 0.007%). This variant has not been reported in the literature in individuals affected with SMARCA4-related conditions. ClinVar contains an entry for this variant (Variation ID: 654861). Invitae Evidence Modeling of protein sequence and biophysical properties (such as structural, functional, and spatial information, amino acid conservation, physicochemical variation, residue mobility, and thermodynamic stability) indicates that this missense variant is not expected to disrupt SMARCA4 protein function with a negative predictive value of 95%. In summary, the available evidence is currently insufficient to determine the role of this variant in disease. Therefore, it has been classified as a Variant of Uncertain Significance.

Ambry Genetics
Classification: Likely benign for Hereditary cancer-predisposing syndrome. Last evaluated: 2023-06-08. Review status: criteria provided, single submitter. Criteria: Ambry Variant Classification Scheme 2023. Collection method: clinical testing. Allele origin: germline.

Genome-Nilou Lab
Classification: Uncertain significance for Intellectual disability, autosomal dominant 16. Last evaluated: 2021-07-15. Review status: criteria provided, single submitter. Criteria: ACMG Guidelines, 2015. Collection method: clinical testing. Allele origin: germline. Affected: no.

NM_003072.5(SMARCA4):c.2456C>T (p.Ala819Val)

Gene: SMARCA4 (SWI/SNF related BAF chromatin remodeling complex subunit ATPase 4; plus strand). Cytogenetic location: 19p13.2.
Variant type: single nucleotide variant.
Coding change: c.2456C>T on transcript NM_003072.5 (MANE Select); coding-DNA position 2456, C replaced by T.
Protein change: p.Ala819Val; replaces alanine 819 with valine.
Molecular consequence: missense variant. On other transcripts: non-coding transcript variant (1).
Genome position (GRCh38, 1-based): chr19:11,018,974, C>T. VCF-style: chr19-11018974-C-T. GRCh37 (hg19) VCF-style: chr19-11129650-C-T.
Other names: c.2456C>T, p.Ala819Val (NM_001128844.3, NM_001128845.2, NM_001128846.2 and 5 more transcripts); short protein forms A819V.
Identifiers: ClinVar variation 654861 (VCV000654861.15), dbSNP rs1276140261, ClinGen allele CA404053521.
Genomic context (GRCh38, chr19:11,018,974, plus strand): 5'-GATGAGAGACCGGCACTTGACTCTCATTTCCTTGTTCCATCAGAACGCTGTCCAACTGGG[C>T]GTACGAGTTTGACAAGTGGGCCCCCTCCGTGGTGAAGGTGTCTTACAAGGTAGGTCACAG-3'
Protein context (NP_003063.2, residues 809-829): IVPLSTLSNW[Ala819Val]YEFDKWAPSV